The following is an entry in ClinVar:

ClinVar aggregate classification (germline): Uncertain significance (1 of 4 stars; one submission).

Allele frequency attached by ClinVar (database versions not stated): gnomAD exomes below 0.00001 and 0.00001; TOPMed 0.00001.

Submission:

Labcorp Genetics (formerly Invitae), Labcorp
Classification: Uncertain significance. Last evaluated: 2024-01-18. Review status: criteria provided, single submitter. Criteria: Invitae Variant Classification Sherloc (09022015). Collection method: clinical testing. Allele origin: germline.
Comment: This sequence change replaces serine, which is neutral and polar, with threonine, which is neutral and polar, at codon 198 of the RGS9BP protein (p.Ser198Thr). This variant is not present in population databases (gnomAD no frequency). This variant has not been reported in the literature in individuals affected with RGS9BP-related conditions. ClinVar contains an entry for this variant (Variation ID: 1505735). An algorithm developed to predict the effect of missense changes on protein structure and function (PolyPhen-2) suggests that this variant is likely to be disruptive. In summary, the available evidence is currently insufficient to determine the role of this variant in disease. Therefore, it has been classified as a Variant of Uncertain Significance.

NM_207391.3(RGS9BP):c.592T>A (p.Ser198Thr)

Gene: RGS9BP (regulator of G protein signaling 9 binding protein; plus strand). Cytogenetic location: 19q13.11.
Variant type: single nucleotide variant.
Coding change: c.592T>A on transcript NM_207391.3 (MANE Select); coding-DNA position 592, T replaced by A.
Protein change: p.Ser198Thr; replaces serine 198 with threonine.
Molecular consequence: missense variant.
Genome position (GRCh38, 1-based): chr19:32,676,855, T>A. VCF-style: chr19-32676855-T-A. GRCh37 (hg19) VCF-style: chr19-33167761-T-A.
Other names: short protein forms S198T.
Identifiers: ClinVar variation 1505735 (VCV001505735.5), dbSNP rs987630365, ClinGen allele CA307486406.
Genomic context (GRCh38, chr19:32,676,855, plus strand): 5'-CGGCAGGCGGCGGGCGCCGAGCTCCTGTCCACGGTCAGCGCCGGCCCCTCCTCGGTCGTG[T>A]CCTTGCAGGAGCGCGGGGGGGGTTGCGACCCCAGGAAGGCCCTGGCCGCCATCCTTTTCG-3'
Protein context (NP_997274.2, residues 188-208): TVSAGPSSVV[Ser198Thr]LQERGGGCDP